The following is an entry in ClinVar:

NM_000059.4(BRCA2):c.6520G>C (p.Val2174Leu)

Gene: BRCA2 (BRCA2 DNA repair associated; plus strand). Cytogenetic location: 13q13.1.
Variant type: single nucleotide variant.
Coding change: c.6520G>C on transcript NM_000059.4 (MANE Select); coding-DNA position 6520, G replaced by C.
Protein change: p.Val2174Leu; replaces valine 2174 with leucine.
Molecular consequence: missense variant. On other transcripts: non-coding transcript variant (1), intron variant (2).
Genome position (GRCh38, 1-based): chr13:32,340,875, G>C. VCF-style: chr13-32340875-G-C. GRCh37 (hg19) VCF-style: chr13-32915012-G-C.
Other names: c.6520G>C, p.Val2174Leu (NM_001406719.1, NM_001406720.1); c.1910-3683G>C (NM_001406721.1); c.425-3683G>C (NM_001406722.1); short protein forms V2174L.
Identifiers: ClinVar variation 3228018 (VCV003228018.1), dbSNP rs1593908972, ClinGen allele CA387789618.

ClinVar aggregate classification (germline): Uncertain significance (1 of 4 stars; one submission).

Conditions:
Hereditary cancer-predisposing syndrome. Also called: Neoplastic Syndromes, Hereditary; Tumor predisposition; Hereditary neoplastic syndrome; Hereditary Cancer Syndrome. Identifiers: Orphanet 140162, MedGen C0027672, MeSH D009386, MONDO:0015356.

Submission:

Ambry Genetics
Classification: Uncertain significance for Hereditary cancer-predisposing syndrome. Last evaluated: 2023-03-09. Review status: criteria provided, single submitter. Criteria: Ambry Variant Classification Scheme 2023. Collection method: clinical testing. Allele origin: germline.
Comment: The p.V2174L variant (also known as c.6520G>C), located in coding exon 10 of the BRCA2 gene, results from a G to C substitution at nucleotide position 6520. The valine at codon 2174 is replaced by leucine, an amino acid with highly similar properties. This amino acid position is conserved. In addition, this alteration is predicted to be tolerated by in silico analysis. Since supporting evidence is limited at this time, the clinical significance of this alteration remains unclear.